The following is an entry in ClinVar:

NR_199791.1(RNU2-2):n.149A>T

Genes: RNU2-2 (RNA, U2 small nuclear 2; minus strand), WDR74 (WD repeat domain 74; minus strand). Cytogenetic location: 11q12.3.
Variant type: single nucleotide variant.
Molecular consequence: non-coding transcript variant (on NR_199791.1). On other transcripts: 5 prime UTR variant (1).
Genome position: GRCh38 VCF-style: chr11-62841661-T-A. GRCh37 (hg19) VCF-style: chr11-62609133-T-A.
Other names: c.-390A>T (NM_001369451.1).
Identifiers: ClinVar variation 4540529 (VCV004540529.1).

ClinVar aggregate classification (germline): Uncertain significance (1 of 4 stars; one submission).

gnomAD v4.1: 3 of 152,240 alleles (0.002%); highest among the groups gnomAD compares: African/African-American, 0.0048%; no homozygotes.

Submission:

Institute for Human Genetics, University Hospital Essen
Classification: Uncertain significance. Last evaluated: 2025-11-27. Review status: criteria provided, single submitter. Criteria: Submitter's publication. Collection method: clinical testing. Allele origin: inherited. Inheritance: Autosomal unknown. Affected: yes. Observed: 1 variant allele, 1 compound heterozygote.
Comment: PM1_supp, PM2_supp, PP1 (criteria rationale detailed in Leitão et al. Nature Genetics 2026)